The following is an entry in ClinVar:

ClinVar aggregate classification (germline): Uncertain significance (1 of 4 stars; one submission).

Conditions:
Fanconi anemia (FA). Also called: Fanconi's anemia. Identifiers: Orphanet 84, MedGen C0015625, MeSH D005199, MONDO:0019391.

gnomAD v4.1: 1 of 1,526,028 alleles (0.000066%); highest among the groups gnomAD compares: Non-Finnish European, 0.000087%; no homozygotes.

Submission:

Labcorp Genetics (formerly Invitae), Labcorp
Classification: Uncertain significance for Fanconi anemia. Last evaluated: 2023-10-13. Review status: criteria provided, single submitter. Criteria: Invitae Variant Classification Sherloc (09022015). Collection method: clinical testing. Allele origin: germline.
Comment: This sequence change replaces valine, which is neutral and non-polar, with glycine, which is neutral and non-polar, at codon 6 of the FANCA protein (p.Val6Gly). This variant is present in population databases (no rsID available, gnomAD 0.002%). This variant has not been reported in the literature in individuals affected with FANCA-related conditions. ClinVar contains an entry for this variant (Variation ID: 1416736). Advanced modeling of protein sequence and biophysical properties (such as structural, functional, and spatial information, amino acid conservation, physicochemical variation, residue mobility, and thermodynamic stability) performed at Invitae indicates that this missense variant is not expected to disrupt FANCA protein function. In summary, the available evidence is currently insufficient to determine the role of this variant in disease. Therefore, it has been classified as a Variant of Uncertain Significance.

NM_000135.4(FANCA):c.17T>G (p.Val6Gly)

Genes: FANCA (FA complementation group A; minus strand), LOC112486223 (Sharpr-MPRA regulatory region 3988; plus strand). Cytogenetic location: 16q24.3.
Variant type: single nucleotide variant.
Coding change: c.17T>G on transcript NM_000135.4 (MANE Select); coding-DNA position 17, T replaced by G.
Protein change: p.Val6Gly; replaces valine 6 with glycine.
Molecular consequence: missense variant.
Genome position (GRCh38, 1-based): chr16:89,816,599, A>C on the plus strand (T>G on the coding strand, the complement: FANCA is on the minus strand). VCF-style: chr16-89816599-A-C. GRCh37 (hg19) VCF-style: chr16-89883007-A-C.
Other names: c.17T>G, p.Val6Gly (NM_001018112.3, NM_001286167.3, NM_001351830.2); short protein forms V6G.
Identifiers: ClinVar variation 1416736 (VCV001416736.8), dbSNP rs1800282, ClinGen allele CA397484605.